The following is an entry in ClinVar:

NM_004523.4(KIF11):c.3002_3003insAA (p.Asp1002fs)

Gene: KIF11 (kinesin family member 11; plus strand). Cytogenetic location: 10q23.33.
Variant type: Insertion.
Coding change: c.3002_3003insAA on transcript NM_004523.4 (MANE Select); coding-DNA positions 3002 to 3003, AA inserted.
Protein change: p.Asp1002fs; shifts the reading frame from aspartic acid 1002.
Molecular consequence: frameshift variant.
Genome position: GRCh38 VCF-style: chr10-92650480-T-TAA. GRCh37 (hg19) VCF-style: chr10-94410237-T-TAA.
Other names: short protein forms D1002fs.
Identifiers: ClinVar variation 4727331 (VCV004727331.1).

ClinVar aggregate classification (germline): Uncertain significance (1 of 4 stars; one submission).

Submission:

Labcorp Genetics (formerly Invitae), Labcorp
Classification: Uncertain significance. Last evaluated: 2025-09-16. Review status: criteria provided, single submitter. Criteria: Invitae Variant Classification Sherloc (09022015). Collection method: clinical testing. Allele origin: germline.
Comment: This sequence change is expected to alter the c-terminus of the KIF11 protein (p.Asp1002Argfs*67). While this is not anticipated to result in nonsense mediated decay, it is expected to disrupt the last 55 amino acid(s) of the KIF11 protein and extend the protein by 11 additional amino acid residues. This variant is not present in population databases (gnomAD no frequency). This variant has not been reported in the literature in individuals affected with KIF11-related conditions. Experimental studies and prediction algorithms are not available or were not evaluated, and the functional significance of this variant is currently unknown. This variant disrupts a region of the KIF11 protein in which other variant(s) (p.Arg1025Gly) have been observed in individuals with KIF11-related conditions (PMID: 27212378, 34582765, 35456519). This suggests that this is a clinically significant region of the protein, and that variants that disrupt it are likely to be disease-causing. In summary, the available evidence is currently insufficient to determine the role of this variant in disease. Therefore, it has been classified as a Variant of Uncertain Significance.

Literature cited by the submitters: PubMed 27212378; PubMed 34582765; PubMed 35456519.